The following is an entry in ClinVar:

NM_016341.4(PLCE1):c.1207-47T>C

Gene: PLCE1 (phospholipase C epsilon 1; plus strand). Cytogenetic location: 10q23.33.
Variant type: single nucleotide variant.
Coding change: c.1207-47T>C on transcript NM_016341.4 (MANE Select); 47 bases into the intron before coding-DNA position 1207, T replaced by C.
Molecular consequence: intron variant.
Genome position (GRCh38, 1-based): chr10:94,132,127, T>C. VCF-style: chr10-94132127-T-C. GRCh37 (hg19) VCF-style: chr10-95891884-T-C.
Other names: c.1207-47T>C (NM_001288989.2); c.283-47T>C (NM_001165979.2).
Identifiers: ClinVar variation 1215223 (VCV001215223.28), dbSNP rs140613465, ClinGen allele CA5612313.

ClinVar aggregate classification (germline): Benign/Likely benign. Review status: criteria provided, multiple submitters, no conflicts (2 of 4 stars). 3 submissions from 3 submitters: Benign (1); Likely benign (2). Last evaluated 2026-09-01.

Allele frequency attached by ClinVar (database versions not stated): 1000 Genomes Project 30x 0.00578; 1000 Genomes Project 0.00679; ESP Exome Variant Server 0.00980; TOPMed 0.01026; gnomAD 0.01256 and 0.01270; gnomAD exomes 0.01533 and 0.01539; ExAC 0.01596.
gnomAD v4.1: 23,952 of 1,589,690 alleles (1.5%); highest among the groups gnomAD compares: Middle Eastern, 1.7%; 246 homozygotes.

Submissions (3):

CeGaT Center for Human Genetics Tuebingen
Classification: Benign. Last evaluated: 2026-09-01. Review status: criteria provided, single submitter. Criteria: CeGaT Center For Human Genetics Tuebingen Variant Classification Criteria Version 2. Collection method: clinical testing. Allele origin: germline. Affected: yes. Observed: 3 variant alleles.
Comment: PLCE1: BS1, BS2

GeneDx
Classification: Likely benign. Last evaluated: 2019-01-11. Review status: criteria provided, single submitter. Criteria: GeneDx Variant Classification Process June 2021. Collection method: clinical testing. Allele origin: germline. Affected: yes.
Comment: This variant is associated with the following publications: (PMID: 29869118)

Breakthrough Genomics
Classification: Likely benign. Review status: criteria provided, single submitter. Criteria: ACMG Guidelines, 2015. Collection method: not provided. Allele origin: germline. Inheritance: Autosomal recessive inheritance. Affected: yes.